The following is an entry in ClinVar:

NM_001384732.1(CPLANE1):c.8425del (p.Thr2809fs)

Gene: CPLANE1 (ciliogenesis and planar polarity effector complex subunit 1; minus strand). Cytogenetic location: 5p13.2.
Variant type: Deletion.
Coding change: c.8425del on transcript NM_001384732.1 (MANE Select); coding-DNA position 8425, one base deleted (A; older notation c.8425delA).
Protein change: p.Thr2809fs; shifts the reading frame from threonine 2809.
Molecular consequence: frameshift variant.
Genome position (GRCh38, 1-based): chr5:37,148,217, T deleted on the plus strand (A on the coding strand, the reverse complement: CPLANE1 is on the minus strand); the first of 7 consecutive T bases (chr5:37,148,217-37,148,223); deleting any one gives the same sequence. VCF-style (leftmost placement, unchanged base first): chr5-37148216-GT-G. GRCh37 (hg19) VCF-style: chr5-37148318-GT-G.
Other names: c.8263del, p.Thr2755fs (NM_023073.4); c.8263delA (NM_023073.4, NM_023073.3); short protein forms T2755fs, T2809fs.
Identifiers: ClinVar variation 567531 (VCV000567531.13), dbSNP rs775263897, ClinGen allele CA645544875.

ClinVar aggregate classification (germline): Pathogenic. Review status: criteria provided, multiple submitters, no conflicts (2 of 4 stars). 4 submissions from 4 submitters: Pathogenic (4). Last evaluated 2026-03-12.

Conditions:
Inborn genetic diseases. Identifiers: MedGen C0950123, MeSH D030342.
Joubert syndrome and related disorders. Identifiers: Orphanet 140874, MedGen C5679612, MONDO:0015369.
Focal segmental glomerulosclerosis (FSGS). Also called: Glomerulosclerosis, focal; Focal sclerosis with hyalinosis. Identifiers: MedGen C0017668, MONDO:0100313, HP:0000097. Disease mechanism: loss of function.

Submissions (4):

Molecular Lab, University of Sulaimaniyah
Classification: Pathogenic for Focal segmental glomerulosclerosis. Last evaluated: 2026-03-12. Review status: criteria provided, single submitter. Criteria: ACMG Guidelines, 2015. Collection method: clinical testing. Allele origin: germline. Inheritance: Autosomal recessive inheritance. Affected: yes. Observed: 1 variant allele, 1 homozygote.
Comment: This variant was classified using the ACMG/AMP 2015 framework (PMID:25741868). PVS1 was applied because CPLANE1 c.8263delA is a predicted loss-of-function frameshift variant expected to create a premature termination codon in a recessive ciliopathy-associated gene for which loss of function is an established disease mechanism. The submitted classification reflects this combination of variant type, gene-disease mechanism, and internal observation data. Overall, the weight of evidence supported a Pathogenic classification.

Women's Health and Genetics/Laboratory Corporation of America, LabCorp
Classification: Pathogenic for Joubert syndrome and related disorders. Last evaluated: 2024-01-04. Review status: criteria provided, single submitter. Criteria: LabCorp Variant Classification Summary - May 2015. Collection method: clinical testing. Allele origin: germline.
Comment: Variant summary: CPLANE1 c.8263delA (p.Thr2755HisfsX2) results in a premature termination codon, predicted to cause a truncation of the encoded protein or absence of the protein due to nonsense mediated decay, which are commonly known mechanisms for disease. The variant allele was found at a frequency of 8.2e-06 in 1460458 control chromosomes (i.e., 12 alleles, no homozygotes; gnomAD v4.0.0). This frequency is not significantly higher than estimated for a pathogenic variant in CPLANE1 causing Joubert Syndrome And Related Disorders (8.2e-06 vs 0.0015), allowing no conclusion about variant significance. To our knowledge, no occurrence of c.8263delA in individuals affected with Joubert Syndrome And Related Disorders and no experimental evidence demonstrating its impact on protein function have been reported. ClinVar contains an entry for this variant (Variation ID: 567531). Based on the evidence outlined above, the variant was classified as pathogenic.

Labcorp Genetics (formerly Invitae), Labcorp
Classification: Pathogenic. Last evaluated: 2018-05-11. Review status: criteria provided, single submitter. Criteria: Invitae Variant Classification Sherloc (09022015). Collection method: clinical testing. Allele origin: germline.
Comment: For these reasons, this variant has been classified as Pathogenic. Loss-of-function variants in C5orf42 are known to be pathogenic (PMID: 22425360). This variant has not been reported in the literature in individuals with C5orf42-related disease. This variant is not present in population databases (ExAC no frequency). This sequence change creates a premature translational stop signal (p.Thr2755Hisfs*2) in the C5orf42 gene. It is expected to result in an absent or disrupted protein product.

Ambry Genetics
Classification: Pathogenic for Inborn genetic diseases. Last evaluated: 2017-12-26. Review status: criteria provided, single submitter. Criteria: Ambry exome assertion method (8-5-2015). Collection method: clinical testing. Allele origin: germline. Affected: yes. Observed: 1 variant allele.

Literature cited by the submitters: PubMed 22425360 (cited by Labcorp Genetics (formerly Invitae), Labcorp); PubMed 23012439 (cited by Ambry Genetics).